The following is an entry in ClinVar:

ClinVar aggregate classification (germline): Uncertain significance (1 of 4 stars; one submission).

Allele frequency attached by ClinVar (database versions not stated): TOPMed below 0.00001.

Submission:

Labcorp Genetics (formerly Invitae), Labcorp
Classification: Uncertain significance. Last evaluated: 2023-07-17. Review status: criteria provided, single submitter. Criteria: Invitae Variant Classification Sherloc (09022015). Collection method: clinical testing. Allele origin: germline.
Comment: This variant occurs in a non-coding region of the EYS gene. It does not change the encoded amino acid sequence of the EYS protein. In summary, the available evidence is currently insufficient to determine the role of this variant in disease. Therefore, it has been classified as a Variant of Uncertain Significance. Experimental studies and prediction algorithms are not available or were not evaluated, and the functional significance of this variant is currently unknown. ClinVar contains an entry for this variant (Variation ID: 1404382). This variant has not been reported in the literature in individuals affected with EYS-related conditions. This variant is not present in population databases (gnomAD no frequency).

NM_001142800.2(EYS):c.-401C>A

Gene: EYS (EGF-like photoreceptor maintenance factor; minus strand). Cytogenetic location: 6q12.
Variant type: single nucleotide variant.
Coding change: c.-401C>A on transcript NM_001142800.2 (MANE Select); 401 bases upstream of the start codon, C replaced by A.
Molecular consequence: 5 prime UTR variant.
Genome position (GRCh38, 1-based): chr6:65,639,846, G>T on the plus strand (C>A on the coding strand, the complement: EYS is on the minus strand). VCF-style: chr6-65639846-G-T. GRCh37 (hg19) VCF-style: chr6-66349739-G-T.
Other names: c.-401C>A (NM_001142801.2, NM_001292009.2).
Identifiers: ClinVar variation 1404382 (VCV001404382.6), dbSNP rs1767218301, ClinGen allele CA1634329869.